The following is an entry in ClinVar:

NM_001039876.3(SYNE4):c.1039G>A (p.Asp347Asn)

Gene: SYNE4 (spectrin repeat containing nuclear envelope family member 4; minus strand). Cytogenetic location: 19q13.12.
Variant type: single nucleotide variant.
Coding change: c.1039G>A on transcript NM_001039876.3 (MANE Select); coding-DNA position 1039, G replaced by A.
Protein change: p.Asp347Asn; replaces aspartic acid 347 with asparagine.
Molecular consequence: missense variant.
Genome position (GRCh38, 1-based): chr19:36,003,513, C>T on the plus strand (G>A on the coding strand, the complement: SYNE4 is on the minus strand). VCF-style: chr19-36003513-C-T. GRCh37 (hg19) VCF-style: chr19-36494415-C-T.
Other names: c.1039G>A (NM_001039876.1); c.700G>A, p.Asp234Asn (NM_001297735.3); short protein forms D234N, D347N.
Identifiers: ClinVar variation 1364313 (VCV001364313.4), dbSNP rs769650086, ClinGen allele CA9393756.

ClinVar aggregate classification (germline): Uncertain significance. Review status: criteria provided, multiple submitters, no conflicts (2 of 4 stars). 2 submissions from 2 submitters: Uncertain significance (2). Last evaluated 2025-08-14.

Allele frequency attached by ClinVar (database versions not stated): gnomAD 0.00001; TOPMed 0.00002; gnomAD exomes 0.00006; ExAC 0.00009.
gnomAD v4.1: 70 of 1,598,604 alleles (0.0044%); highest among the groups gnomAD compares: South Asian, 0.052%; 1 homozygote.

Submissions (2):

Ambry Genetics
Classification: Uncertain significance. Last evaluated: 2025-08-14. Review status: criteria provided, single submitter. Criteria: Ambry Variant Classification Scheme 2023. Collection method: clinical testing. Allele origin: germline.

Labcorp Genetics (formerly Invitae), Labcorp
Classification: Uncertain significance. Last evaluated: 2021-12-08. Review status: criteria provided, single submitter. Criteria: Invitae Variant Classification Sherloc (09022015). Collection method: clinical testing. Allele origin: germline.
Comment: This sequence change replaces aspartic acid, which is acidic and polar, with asparagine, which is neutral and polar, at codon 347 of the SYNE4 protein (p.Asp347Asn). This variant is present in population databases (rs769650086, gnomAD 0.04%). This variant has not been reported in the literature in individuals affected with SYNE4-related conditions. Algorithms developed to predict the effect of missense changes on protein structure and function are either unavailable or do not agree on the potential impact of this missense change (SIFT: "Tolerated"; PolyPhen-2: "Probably Damaging"; Align-GVGD: "Class C0"). In summary, the available evidence is currently insufficient to determine the role of this variant in disease. Therefore, it has been classified as a Variant of Uncertain Significance.